The following is an entry in ClinVar:

ClinVar aggregate classification (germline): Uncertain significance (1 of 4 stars; one submission).

Conditions:
Malignant hyperthermia, susceptibility to, 5 (MHS5). Also called: CACNA1S-Related Malignant Hyperthermia Susceptibility. Identifiers: Orphanet 423, MedGen C1866077, MONDO:0011163, OMIM 601887.
Hypokalemic periodic paralysis, type 1. Also called: HypoPP; Hypokalemic Periodic Paralysis Type 1 (AD). Identifiers: Orphanet 681, MedGen C3714580, MONDO:0042979, OMIM 170400.

Allele frequency attached by ClinVar (database versions not stated): gnomAD exomes below 0.00001.

Submission:

Labcorp Genetics (formerly Invitae), Labcorp
Classification: Uncertain significance for Hypokalemic periodic paralysis, type 1; Malignant hyperthermia, susceptibility to, 5. Last evaluated: 2023-04-24. Review status: criteria provided, single submitter. Criteria: Invitae Variant Classification Sherloc (09022015). Collection method: clinical testing. Allele origin: germline.
Comment: This sequence change replaces glutamine, which is neutral and polar, with glutamic acid, which is acidic and polar, at codon 1540 of the CACNA1S protein (p.Gln1540Glu). This variant is present in population databases (no rsID available, gnomAD 0.0009%). This variant has not been reported in the literature in individuals affected with CACNA1S-related conditions. ClinVar contains an entry for this variant (Variation ID: 1523120). Advanced modeling of protein sequence and biophysical properties (such as structural, functional, and spatial information, amino acid conservation, physicochemical variation, residue mobility, and thermodynamic stability) performed at Invitae indicates that this missense variant is not expected to disrupt CACNA1S protein function. In summary, the available evidence is currently insufficient to determine the role of this variant in disease. Therefore, it has been classified as a Variant of Uncertain Significance.

NM_000069.3(CACNA1S):c.4618C>G (p.Gln1540Glu)

Gene: CACNA1S (calcium voltage-gated channel subunit alpha1 S; minus strand). Cytogenetic location: 1q32.1.
Variant type: single nucleotide variant.
Coding change: c.4618C>G on transcript NM_000069.3 (MANE Select); coding-DNA position 4618, C replaced by G.
Protein change: p.Gln1540Glu; replaces glutamine 1540 with glutamic acid.
Molecular consequence: missense variant.
Genome position (GRCh38, 1-based): chr1:201,047,165, G>C on the plus strand (C>G on the coding strand, the complement: CACNA1S is on the minus strand). VCF-style: chr1-201047165-G-C. GRCh37 (hg19) VCF-style: chr1-201016293-G-C.
Other names: short protein forms Q1540E.
Identifiers: ClinVar variation 1523120 (VCV001523120.8), dbSNP rs1351956022, ClinGen allele CA344141886.